The following is an entry in ClinVar:

NM_004082.5(DCTN1):c.70G>A (p.Ala24Thr)

Gene: DCTN1 (dynactin subunit 1; minus strand). Cytogenetic location: 2p13.1.
Variant type: single nucleotide variant.
Coding change: c.70G>A on transcript NM_004082.5 (MANE Select); coding-DNA position 70, G replaced by A.
Protein change: p.Ala24Thr; replaces alanine 24 with threonine.
Molecular consequence: missense variant. On other transcripts: non-coding transcript variant (1).
Genome position (GRCh38, 1-based): chr2:74,378,209, C>T on the plus strand (G>A on the coding strand, the complement: DCTN1 is on the minus strand). VCF-style: chr2-74378209-C-T. GRCh37 (hg19) VCF-style: chr2-74605336-C-T.
Other names: c.70G>A, p.Ala24Thr (NM_001135040.3, NM_001190837.2); c.19G>A, p.Ala7Thr (NM_001190836.2, NM_001378991.1, NM_001378992.1); short protein forms A7T, A24T.
Identifiers: ClinVar variation 968003 (VCV000968003.6), dbSNP rs372733713, ClinGen allele CA1722610.

ClinVar aggregate classification (germline): Uncertain significance (1 of 4 stars; one submission).

Conditions:
Amyotrophic lateral sclerosis type 1 (ALS1). Also called: AMYOTROPHIC LATERAL SCLEROSIS 1, FAMILIAL. Identifiers: Orphanet 803, MedGen C1862939, MONDO:0007103, OMIM 105400.
Perry syndrome. Also called: PARKINSONISM WITH ALVEOLAR HYPOVENTILATION AND MENTAL DEPRESSION. Identifiers: Orphanet 178509, MedGen C1868594, MONDO:0008201, OMIM 168605.
Neuronopathy, distal hereditary motor, type 7B. Also called: Distal Hereditary Motor Neuronopathy Type 7B (dHMN7B); HMN VIIB; LOWER MOTOR NEURON DISEASE, DYNACTIN TYPE; NEURONOPATHY, DISTAL HEREDITARY MOTOR, AUTOSOMAL DOMINANT 14; NEURONOPATHY, DISTAL HEREDITARY MOTOR, HARDING TYPE VIIB; NEUROPATHY, DISTAL HEREDITARY MOTOR, HARDING TYPE VIIB. Identifiers: Orphanet 139589, MedGen C1843315, MONDO:0011879, OMIM 607641.

Submission:

Labcorp Genetics (formerly Invitae), Labcorp
Classification: Uncertain significance for Amyotrophic lateral sclerosis type 1; Neuronopathy, distal hereditary motor, type 7B; Perry syndrome. Last evaluated: 2022-01-13. Review status: criteria provided, single submitter. Criteria: Invitae Variant Classification Sherloc (09022015). Collection method: clinical testing. Allele origin: germline.
Comment: In summary, the available evidence is currently insufficient to determine the role of this variant in disease. Therefore, it has been classified as a Variant of Uncertain Significance. Algorithms developed to predict the effect of missense changes on protein structure and function are either unavailable or do not agree on the potential impact of this missense change (SIFT: "Deleterious"; PolyPhen-2: "Benign"; Align-GVGD: "Class C0"). ClinVar contains an entry for this variant (Variation ID: 968003). This variant has not been reported in the literature in individuals affected with DCTN1-related conditions. This variant is present in population databases (rs372733713, gnomAD 0.03%). This sequence change replaces alanine, which is neutral and non-polar, with threonine, which is neutral and polar, at codon 24 of the DCTN1 protein (p.Ala24Thr).